The following is an entry in ClinVar:

ClinVar aggregate classification (germline): Conflicting classifications of pathogenicity. Review status: criteria provided, conflicting classifications (1 of 4 stars). 3 submissions from 3 submitters: Likely pathogenic (1); Uncertain significance (2). Last evaluated 2026-05-10.

Conditions:
Inborn genetic diseases. Identifiers: MedGen C0950123, MeSH D030342.
Hereditary cancer. Identifiers: MedGen C1333600.

Allele frequency attached by ClinVar (database versions not stated): TOPMed below 0.00001; gnomAD exomes 0.00001.
gnomAD v4.1: 8 of 1,613,688 alleles (0.0005%); highest among the groups gnomAD compares: East Asian, 0.0045%; no homozygotes.

Submissions (3):

GeneDx
Classification: Likely pathogenic. Last evaluated: 2026-05-10. Review status: criteria provided, single submitter. Criteria: GeneDx Variant Classification Process June 2021. Collection method: clinical testing. Allele origin: germline.
Comment: Not observed at significant frequency in large population cohorts (gnomAD); In silico analysis supports that this missense variant has a deleterious effect on protein structure/function; This variant is associated with the following publications: (PMID: 36672294, 35844724, 35443031, 36322930, 37665752, 36455200, 27721487, LeeJH2026[review])

Mendelics
Classification: Uncertain significance for Hereditary cancer. Last evaluated: 2026-03-05. Review status: criteria provided, single submitter. Criteria: ACMG Guidelines, 2015. Collection method: clinical testing. Allele origin: unknown.
Comment: The available evidence is insufficient to conclusively determine the role of this variant. Therefore, it is classified as a Variant of Uncertain Significance.

Ambry Genetics
Classification: Uncertain significance for Inborn genetic diseases. Last evaluated: 2025-03-05. Review status: criteria provided, single submitter. Criteria: Ambry Variant Classification Scheme 2023. Collection method: clinical testing. Allele origin: germline.
Comment: The p.R323H variant (also known as c.968G>A), located in coding exon 10 of the DDX41 gene, results from a G to A substitution at nucleotide position 968. The arginine at codon 323 is replaced by histidine, an amino acid with highly similar properties. This amino acid position is highly conserved in available vertebrate species. In addition, the in silico prediction for this alteration is inconclusive. Based on the available evidence, the clinical significance of this variant remains unclear.

NM_016222.4(DDX41):c.968G>A (p.Arg323His)

Gene: DDX41 (DEAD-box helicase 41; minus strand). Cytogenetic location: 5q35.3.
Variant type: single nucleotide variant.
Coding change: c.968G>A on transcript NM_016222.4 (MANE Select); coding-DNA position 968, G replaced by A.
Protein change: p.Arg323His; replaces arginine 323 with histidine.
Molecular consequence: missense variant.
Genome position (GRCh38, 1-based): chr5:177,513,815, C>T on the plus strand (G>A on the coding strand, the complement: DDX41 is on the minus strand). VCF-style: chr5-177513815-C-T. GRCh37 (hg19) VCF-style: chr5-176940816-C-T.
Other names: c.590G>A, p.Arg197His (NM_001321732.2, NM_001321830.2); short protein forms R197H, R323H.
Identifiers: ClinVar variation 2663411 (VCV002663411.4), dbSNP rs1248764875, ClinGen allele CA362374545.
Genomic context (GRCh38, chr5:177,513,815, plus strand): 5'-AGGGCCAGGTAGCGACAGATGTCTAGGCTGACCATCTTCTTCTGCAGCAAATCCATGAGG[C>T]GCCCCGGGGTGGCCACCATCATGTGTACACCGCTGGGGACCAAGGAGAGACCCTGAGGTT-3'
Protein context (NP_057306.2, residues 313-333): GVHMMVATPG[Arg323His]LMDLLQKKMV